The following is an entry in ClinVar:

NM_000466.3(PEX1):c.1230G>A (p.Gly410=)

Gene: PEX1 (peroxisomal biogenesis factor 1; minus strand). Cytogenetic location: 7q21.2.
Variant type: single nucleotide variant.
Coding change: c.1230G>A on transcript NM_000466.3 (MANE Select); coding-DNA position 1230, G replaced by A.
Protein change: p.Gly410=; no amino-acid change (glycine 410 retained).
Molecular consequence: synonymous variant.
Genome position (GRCh38, 1-based): chr7:92,517,285, C>T on the plus strand (G>A on the coding strand, the complement: PEX1 is on the minus strand). VCF-style: chr7-92517285-C-T. GRCh37 (hg19) VCF-style: chr7-92146599-C-T.
Other names: c.1230G>A, p.Gly410= (NM_001282677.2); c.606G>A, p.Gly202= (NM_001282678.2).
Identifiers: ClinVar variation 764071 (VCV000764071.37), dbSNP rs539382251, ClinGen allele CA4341471.

ClinVar aggregate classification (germline): Likely benign. Review status: criteria provided, multiple submitters, no conflicts (2 of 4 stars). 5 submissions from 5 submitters: Likely benign (4). 1 of the submissions does not count toward it. Last evaluated 2026-01-13.

Conditions:
PEX1-related disorder. Also called: PEX1-related condition.
Zellweger spectrum disorders (ZS). Also called: Zellweger Spectrum Disorder (ZSD); Zellweger syndrome; Zellweger Spectrum Disorder; Zellweger Spectrum. Identifiers: Orphanet 912, MedGen C0043459, MONDO:0019609.

Allele frequency attached by ClinVar (database versions not stated): gnomAD below 0.00001 and 0.00008; TOPMed below 0.00001; gnomAD exomes 0.00004 and 0.00009; ExAC 0.00013; 1000 Genomes Project 30x 0.00109; 1000 Genomes Project 0.00140.
gnomAD v4.1: 63 of 1,613,446 alleles (0.0039%); highest among the groups gnomAD compares: South Asian, 0.067%; no homozygotes.

Submissions (5):

Labcorp Genetics (formerly Invitae), Labcorp
Classification: Likely benign for Zellweger spectrum disorders. Last evaluated: 2026-01-13. Review status: criteria provided, single submitter. Criteria: Invitae Variant Classification Sherloc (09022015). Collection method: clinical testing. Allele origin: germline.

PreventionGenetics, part of Exact Sciences
Classification: Likely benign for PEX1-related condition. Last evaluated: 2024-10-03. Review status: criteria provided, single submitter. Criteria: ACMG Guidelines, 2015. Collection method: clinical testing. Allele origin: germline.
Comment: This variant is classified as likely benign based on ACMG/AMP sequence variant interpretation guidelines (Richards et al. 2015 PMID: 25741868, with internal and published modifications).

Blueprint Genetics
Classification: Likely benign. Last evaluated: 2024-06-27. Review status: criteria provided, single submitter. Criteria: ACMG Guidelines, 2015. Collection method: clinical testing. Allele origin: germline.

CeGaT Center for Human Genetics Tuebingen
Classification: Likely benign. Last evaluated: 2022-09-01. Review status: criteria provided, single submitter. Criteria: CeGaT Center For Human Genetics Tuebingen Variant Classification Criteria Version 2. Collection method: clinical testing. Allele origin: germline. Affected: yes. Observed: 1 variant allele.
Comment: PEX1: BP4, BP7

Natera, Inc.
Classification: Likely benign for Zellweger syndrome. Last evaluated: 2020-09-16. Review status: no assertion criteria provided. Collection method: clinical testing. Allele origin: germline. Not counted in ClinVar's aggregate classification.